The following is an entry in ClinVar:

NM_004859.4(CLTC):c.4236A>C (p.Leu1412Phe)

Genes: CLTC (clathrin heavy chain; plus strand), LOC126862609 (CDK7 strongly-dependent group 2 enhancer GRCh37_chr17:57760547-57761746; plus strand). Cytogenetic location: 17q23.1.
Variant type: single nucleotide variant.
Coding change: c.4236A>C on transcript NM_004859.4 (MANE Select); coding-DNA position 4236, A replaced by C.
Protein change: p.Leu1412Phe; replaces leucine 1412 with phenylalanine.
Molecular consequence: missense variant.
Genome position (GRCh38, 1-based): chr17:59,683,669, A>C. VCF-style: chr17-59683669-A-C. GRCh37 (hg19) VCF-style: chr17-57761030-A-C.
Other names: c.4248A>C, p.Leu1416Phe (NM_001288653.2); short protein forms L1412F, L1416F.
Identifiers: ClinVar variation 1486534 (VCV001486534.8), dbSNP rs765701172, ClinGen allele CA8681705.

ClinVar aggregate classification (germline): Uncertain significance (1 of 4 stars; one submission).

Allele frequency attached by ClinVar (database versions not stated): ExAC 0.00001; gnomAD exomes 0.00001.
gnomAD v4.1: 2 of 1,614,214 alleles (0.00012%); highest among the groups gnomAD compares: Non-Finnish European, 0.00017%; no homozygotes.

Submission:

Labcorp Genetics (formerly Invitae), Labcorp
Classification: Uncertain significance. Last evaluated: 2024-10-24. Review status: criteria provided, single submitter. Criteria: Invitae Variant Classification Sherloc (09022015). Collection method: clinical testing. Allele origin: germline.
Comment: This sequence change replaces leucine, which is neutral and non-polar, with phenylalanine, which is neutral and non-polar, at codon 1416 of the CLTC protein (p.Leu1416Phe). This variant is present in population databases (rs765701172, gnomAD 0.002%). This variant has not been reported in the literature in individuals affected with CLTC-related conditions. ClinVar contains an entry for this variant (Variation ID: 1486534). Invitae Evidence Modeling of protein sequence and biophysical properties (such as structural, functional, and spatial information, amino acid conservation, physicochemical variation, residue mobility, and thermodynamic stability) indicates that this missense variant is expected to disrupt CLTC protein function with a positive predictive value of 80%. In summary, the available evidence is currently insufficient to determine the role of this variant in disease. Therefore, it has been classified as a Variant of Uncertain Significance.